The following is an entry in ClinVar:

ClinVar aggregate classification (germline): Uncertain significance. Review status: criteria provided, multiple submitters, no conflicts (2 of 4 stars). 2 submissions from 2 submitters: Uncertain significance (2). Last evaluated 2024-11-30.

Conditions:
Inborn genetic diseases. Identifiers: MedGen C0950123, MeSH D030342.

Allele frequency attached by ClinVar (database versions not stated): TOPMed 0.00001.
gnomAD v4.1: 42 of 1,613,674 alleles (0.0026%); highest among the groups gnomAD compares: Non-Finnish European, 0.0035%; no homozygotes.

Submissions (2):

Ambry Genetics
Classification: Uncertain significance for Inborn genetic diseases. Last evaluated: 2024-11-30. Review status: criteria provided, single submitter. Criteria: Ambry Variant Classification Scheme 2023. Collection method: clinical testing. Allele origin: germline.
Comment: The p.H1227L variant (also known as c.3680A>T), located in coding exon 1 of the SAMD9L gene, results from an A to T substitution at nucleotide position 3680. The histidine at codon 1227 is replaced by leucine, an amino acid with similar properties. This amino acid position is conserved. In addition, this alteration is predicted to be tolerated by in silico analysis. Based on the available evidence, the clinical significance of this variant remains unclear.

Labcorp Genetics (formerly Invitae), Labcorp
Classification: Uncertain significance. Last evaluated: 2023-04-06. Review status: criteria provided, single submitter. Criteria: Invitae Variant Classification Sherloc (09022015). Collection method: clinical testing. Allele origin: germline.
Comment: This sequence change replaces histidine, which is basic and polar, with leucine, which is neutral and non-polar, at codon 1227 of the SAMD9L protein (p.His1227Leu). This variant is not present in population databases (gnomAD no frequency). This variant has not been reported in the literature in individuals affected with SAMD9L-related conditions. ClinVar contains an entry for this variant (Variation ID: 1937157). Advanced modeling of protein sequence and biophysical properties (such as structural, functional, and spatial information, amino acid conservation, physicochemical variation, residue mobility, and thermodynamic stability) performed at Invitae indicates that this missense variant is not expected to disrupt SAMD9L protein function. In summary, the available evidence is currently insufficient to determine the role of this variant in disease. Therefore, it has been classified as a Variant of Uncertain Significance.

NM_152703.5(SAMD9L):c.3680A>T (p.His1227Leu)

Gene: SAMD9L (sterile alpha motif domain containing 9 like; minus strand). Cytogenetic location: 7q21.2.
Variant type: single nucleotide variant.
Coding change: c.3680A>T on transcript NM_152703.5 (MANE Select); coding-DNA position 3680, A replaced by T.
Protein change: p.His1227Leu; replaces histidine 1227 with leucine.
Molecular consequence: missense variant.
Genome position (GRCh38, 1-based): chr7:93,132,292, T>A on the plus strand (A>T on the coding strand, the complement: SAMD9L is on the minus strand). VCF-style: chr7-93132292-T-A. GRCh37 (hg19) VCF-style: chr7-92761605-T-A.
Other names: c.3680A>T (NM_152703.2); c.3680A>T, p.His1227Leu (NM_001303496.3, NM_001303497.3, NM_001303498.3 and 5 more transcripts); short protein forms H1227L.
Identifiers: ClinVar variation 1937157 (VCV001937157.6), dbSNP rs772350672, ClinGen allele CA368180607.